The following is an entry in ClinVar:

ClinVar aggregate classification (germline): Pathogenic (1 of 4 stars; one submission).

Conditions:
Familial cancer of breast. Also called: Hereditary breast cancer; BREAST CANCER, FAMILIAL; hereditary breast carcinoma. Identifiers: Orphanet 227535, MedGen C0346153, MONDO:0016419, OMIM 114480. Disease mechanism: loss of function.

Submission:

Labcorp Genetics (formerly Invitae), Labcorp
Classification: Pathogenic for Familial cancer of breast. Last evaluated: 2025-01-14. Review status: criteria provided, single submitter. Criteria: Invitae Variant Classification Sherloc (09022015). Collection method: clinical testing. Allele origin: germline.
Comment: This sequence change creates a premature translational stop signal (p.Glu228*) in the BARD1 gene. It is expected to result in an absent or disrupted protein product. Loss-of-function variants in BARD1 are known to be pathogenic (PMID: 20077502, 21344236). This variant is not present in population databases (gnomAD no frequency). This variant has not been reported in the literature in individuals affected with BARD1-related conditions. ClinVar contains an entry for this variant (Variation ID: 2016457). For these reasons, this variant has been classified as Pathogenic.

Literature cited by the submitters: PubMed 20077502; PubMed 21344236.

NM_000465.4(BARD1):c.680dup (p.Gly227_Glu228insTer)

Gene: BARD1 (BRCA1 associated RING domain 1; minus strand). Cytogenetic location: 2q35.
Variant type: Duplication.
Coding change: c.680dup on transcript NM_000465.4 (MANE Select); coding-DNA position 680, one base duplicated (G; older notation c.680dupG).
Protein change: p.Gly227_Glu228insTer.
Molecular consequence: frameshift variant. On other transcripts: non-coding transcript variant (2), intron variant (3).
Genome position (GRCh38, 1-based): chr2:214,781,194, C duplicated on the plus strand (G on the coding strand, the reverse complement: BARD1 is on the minus strand); the first of 2 consecutive C bases (chr2:214,781,194-214,781,195); duplicating either gives the same sequence. VCF-style (leftmost placement, unchanged base first): chr2-214781193-A-AC. GRCh37 (hg19) VCF-style: chr2-215645917-A-AC.
Other names: c.623dup, p.Gly208_Glu209insTer (NM_001282543.2); c.158+28218dup (NM_001282548.2); c.215+15867dup (NM_001282545.2); c.364+11103dup (NM_001282549.2).
Identifiers: ClinVar variation 2016457 (VCV002016457.4), dbSNP rs2469510104, ClinGen allele CA2580065687.